The following is an entry in ClinVar:

NM_000540.3(RYR1):c.14737T>A (p.Tyr4913Asn)

Gene: RYR1 (ryanodine receptor 1; plus strand). Cytogenetic location: 19q13.2.
Variant type: single nucleotide variant.
Coding change: c.14737T>A on transcript NM_000540.3 (MANE Select); coding-DNA position 14737, T replaced by A.
Protein change: p.Tyr4913Asn; replaces tyrosine 4913 with asparagine.
Molecular consequence: missense variant.
Genome position (GRCh38, 1-based): chr19:38,585,033, T>A. VCF-style: chr19-38585033-T-A. GRCh37 (hg19) VCF-style: chr19-39075673-T-A.
Other names: c.14722T>A, p.Tyr4908Asn (NM_001042723.2); short protein forms Y4908N, Y4913N.
Identifiers: ClinVar variation 2630678 (VCV002630678.3), dbSNP rs2514773389, ClinGen allele CA405690695.
Genomic context (GRCh38, chr19:38,585,033, plus strand): 5'-CGGGCTGGCGGAGGCATTGGGGACGAGATCGAGGACCCCGCGGGTGACGAATACGAGCTC[T>A]ACAGGGTGGTCTTCGACATCACCTTCTTCTTCTTCGTCATCGTCATCCTGTTGGCCATCA-3'
Protein context (NP_000531.2, residues 4903-4923): EDPAGDEYEL[Tyr4913Asn]RVVFDITFFF

ClinVar aggregate classification (germline): Uncertain significance (0 of 4 stars; one submission).

Conditions:
RYR1-related disorder. Also called: RYR1-related condition; RYR1-related disorders. Identifiers: MedGen CN239331.

Submission:

PreventionGenetics, part of Exact Sciences
Classification: Uncertain significance for RYR1-related condition. Last evaluated: 2023-11-16. Review status: no assertion criteria provided. Collection method: clinical testing. Allele origin: germline.
Comment: The RYR1 c.14737T>A variant is predicted to result in the amino acid substitution p.Tyr4913Asn. To our knowledge, this variant has not been reported in the literature or in a large population database, indicating this variant is rare. At this time, the clinical significance of this variant is uncertain due to the absence of conclusive functional and genetic evidence.